The following is an entry in ClinVar:

ClinVar aggregate classification (germline): Uncertain significance (1 of 4 stars; one submission).

Conditions:
Hereditary cancer-predisposing syndrome. Also called: Tumor predisposition; Hereditary Cancer Syndrome; Hereditary neoplastic syndrome; Neoplastic Syndromes, Hereditary. Identifiers: Orphanet 140162, MedGen C0027672, MeSH D009386, MONDO:0015356.

Submission:

Ambry Genetics
Classification: Uncertain significance for Hereditary cancer-predisposing syndrome. Last evaluated: 2026-02-05. Review status: criteria provided, single submitter. Criteria: Ambry Variant Classification Scheme 2023. Collection method: clinical testing. Allele origin: germline.
Comment: The c.660-4G>T intronic variant results from a G to T substitution 4 nucleotides upstream from coding exon 9 in the BAP1 gene. This nucleotide position is not well conserved in available vertebrate species. In silico splice site analysis for this alteration is inconclusive. Based on the available evidence, the clinical significance of this variant remains unclear.

NM_004656.4(BAP1):c.660-4G>T

Gene: BAP1 (BRCA1 associated deubiquitinase 1; minus strand). Cytogenetic location: 3p21.1.
Variant type: single nucleotide variant.
Coding change: c.660-4G>T on transcript NM_004656.4 (MANE Select); 4 bases into the intron before coding-DNA position 660, G replaced by T.
Molecular consequence: intron variant.
Genome position (GRCh38, 1-based): chr3:52,406,380, C>A on the plus strand (G>T on the coding strand, the complement: BAP1 is on the minus strand). VCF-style: chr3-52406380-C-A. GRCh37 (hg19) VCF-style: chr3-52440396-C-A.
Identifiers: ClinVar variation 1754429 (VCV001754429.3), dbSNP rs1360711033, ClinGen allele CA2580070157.